The following is an entry in ClinVar:

NM_002087.4(GRN):c.1626C>T (p.Ala542=)

Gene: GRN (granulin precursor; plus strand). Cytogenetic location: 17q21.31.
Variant type: single nucleotide variant.
Coding change: c.1626C>T on transcript NM_002087.4 (MANE Select); coding-DNA position 1626, C replaced by T.
Protein change: p.Ala542=; no amino-acid change (alanine 542 retained).
Molecular consequence: synonymous variant.
Genome position (GRCh38, 1-based): chr17:44,352,553, C>T. VCF-style: chr17-44352553-C-T. GRCh37 (hg19) VCF-style: chr17-42429921-C-T.
Identifiers: ClinVar variation 91940 (VCV000091940.2), dbSNP rs386352314, ClinGen allele CA232206.
Genomic context (GRCh38, chr17:44,352,553, plus strand): 5'-GGAAGGACACTTCTGCCATGATAACCAGACCTGCTGCCGAGACAACCGACAGGGCTGGGC[C>T]TGCTGTCCCTACCGCCAGGTCAGTGCCAACCCCCATCCTGGGGCTGGGTATGGCCAGGGA-3'
Protein context (NP_002078.1, residues 532-552): TCCRDNRQGW[Ala542=]CCPYRQGVCC

ClinVar aggregate classification (germline): Uncertain significance (0 of 4 stars; one submission).

Allele frequency attached by ClinVar (database versions not stated): gnomAD exomes below 0.00001.

Submission:

Richard Lifton Laboratory, Yale University School of Medicine
Classification: Uncertain significance. Review status: no assertion criteria provided. Collection method: not provided. Allele origin: somatic.
Comment: GRN
ClinVar note: Converted during submission from unknown to Uncertain significance.